The following is an entry in ClinVar:

ClinVar aggregate classification (germline): Uncertain significance (1 of 4 stars; one submission).

Submission:

Labcorp Genetics (formerly Invitae), Labcorp
Classification: Uncertain significance. Last evaluated: 2025-12-01. Review status: criteria provided, single submitter. Criteria: Invitae Variant Classification Sherloc (09022015). Collection method: clinical testing. Allele origin: germline.
Comment: This sequence change replaces alanine, which is neutral and non-polar, with valine, which is neutral and non-polar, at codon 1456 of the NEXMIF protein (p.Ala1456Val). This variant is not present in population databases (gnomAD no frequency). This variant has not been reported in the literature in individuals affected with NEXMIF-related conditions. An algorithm developed to predict the effect of missense changes on protein structure and function outputs the following: PolyPhen-2: "Benign". The valine amino acid residue is found in multiple mammalian species, which suggests that this missense change does not adversely affect protein function. In summary, the available evidence is currently insufficient to determine the role of this variant in disease. Therefore, it has been classified as a Variant of Uncertain Significance.

NM_001008537.3(NEXMIF):c.4367C>T (p.Ala1456Val)

Gene: NEXMIF (neurite extension and migration factor; minus strand). Cytogenetic location: Xq13.3.
Variant type: single nucleotide variant.
Coding change: c.4367C>T on transcript NM_001008537.3 (MANE Select); coding-DNA position 4367, C replaced by T.
Protein change: p.Ala1456Val; replaces alanine 1456 with valine.
Molecular consequence: missense variant.
Genome position (GRCh38, 1-based): chrX:74,740,190, G>A on the plus strand (C>T on the coding strand, the complement: NEXMIF is on the minus strand). VCF-style: chrX-74740190-G-A. GRCh37 (hg19) VCF-style: chrX-73960025-G-A.
Other names: short protein forms A1456V.
Identifiers: ClinVar variation 4732275 (VCV004732275.1).